The following is an entry in ClinVar:

NM_001394062.1(MACF1):c.2057C>T (p.Ala686Val)

Gene: MACF1 (microtubule actin crosslinking factor 1; plus strand). Cytogenetic location: 1p34.3.
Variant type: single nucleotide variant.
Coding change: c.2057C>T on transcript NM_001394062.1 (MANE Select); coding-DNA position 2057, C replaced by T.
Protein change: p.Ala686Val; replaces alanine 686 with valine.
Molecular consequence: missense variant.
Genome position (GRCh38, 1-based): chr1:39,293,522, C>T. VCF-style: chr1-39293522-C-T. GRCh37 (hg19) VCF-style: chr1-39759194-C-T.
Other names: c.2072C>T, p.Ala691Val (NM_012090.5); short protein forms A691V, A686V.
Identifiers: ClinVar variation 4769087 (VCV004769087.1).

ClinVar aggregate classification (germline): Uncertain significance (1 of 4 stars; one submission).

gnomAD v4.1: 2 of 1,613,928 alleles (0.00012%); highest among the groups gnomAD compares: African/African-American, 0.0027%; no homozygotes.

Submission:

Labcorp Genetics (formerly Invitae), Labcorp
Classification: Uncertain significance. Last evaluated: 2025-04-21. Review status: criteria provided, single submitter. Criteria: Invitae Variant Classification Sherloc (09022015). Collection method: clinical testing. Allele origin: germline.
Comment: This sequence change replaces alanine, which is neutral and non-polar, with valine, which is neutral and non-polar, at codon 691 of the MACF1 protein (p.Ala691Val). This variant is present in population databases (rs778470834, gnomAD 0.007%). This variant has not been reported in the literature in individuals affected with MACF1-related conditions. An algorithm developed to predict the effect of missense changes on protein structure and function (PolyPhen-2) suggests that this variant is likely to be tolerated. In summary, the available evidence is currently insufficient to determine the role of this variant in disease. Therefore, it has been classified as a Variant of Uncertain Significance.